The following is an entry in ClinVar:

NM_005633.4(SOS1):c.1803C>G (p.Ile601Met)

Gene: SOS1 (SOS Ras/Rac guanine nucleotide exchange factor 1; minus strand). Cytogenetic location: 2p22.1.
Variant type: single nucleotide variant.
Coding change: c.1803C>G on transcript NM_005633.4 (MANE Select); coding-DNA position 1803, C replaced by G.
Protein change: p.Ile601Met; replaces isoleucine 601 with methionine.
Molecular consequence: missense variant.
Genome position (GRCh38, 1-based): chr2:39,022,625, G>C on the plus strand (C>G on the coding strand, the complement: SOS1 is on the minus strand). VCF-style: chr2-39022625-G-C. GRCh37 (hg19) VCF-style: chr2-39249766-G-C.
Other names: c.1782C>G, p.Ile594Met (NM_001382394.1); c.1803C>G, p.Ile601Met (NM_001382395.1); short protein forms I601M, I594M.
Identifiers: ClinVar variation 3707507 (VCV003707507.3).

ClinVar aggregate classification (germline): Uncertain significance. Review status: criteria provided, multiple submitters, no conflicts (2 of 4 stars). 2 submissions from 2 submitters: Uncertain significance (2). Last evaluated 2025-07-17.

Conditions:
RASopathy. Also called: rasopathies; Noonan spectrum disorder. Identifiers: Orphanet 536391, MedGen C5555857, MONDO:0021060.

gnomAD v4.1: 1 of 1,613,222 alleles (0.000062%); highest among the groups gnomAD compares: Non-Finnish European, 0.000085%; no homozygotes.

Submissions (2):

GeneDx
Classification: Uncertain significance. Last evaluated: 2025-07-17. Review status: criteria provided, single submitter. Criteria: GeneDx Variant Classification Process June 2021. Collection method: clinical testing. Allele origin: germline. Affected: yes.
Comment: Not observed at significant frequency in large population cohorts (gnomAD); In silico analysis supports that this missense variant has a deleterious effect on protein structure/function; Missense variants in this gene are a common cause of disease and they are underrepresented in the general population; Has not been previously published as pathogenic or benign to our knowledge; This variant is associated with the following publications: (PMID: 29493581)

Labcorp Genetics (formerly Invitae), Labcorp
Classification: Uncertain significance for RASopathy. Last evaluated: 2024-09-27. Review status: criteria provided, single submitter. Criteria: Invitae Variant Classification Sherloc (09022015). Collection method: clinical testing. Allele origin: germline.
Comment: This sequence change replaces isoleucine, which is neutral and non-polar, with methionine, which is neutral and non-polar, at codon 601 of the SOS1 protein (p.Ile601Met). This variant is not present in population databases (gnomAD no frequency). This variant has not been reported in the literature in individuals affected with SOS1-related conditions. Invitae Evidence Modeling of protein sequence and biophysical properties (such as structural, functional, and spatial information, amino acid conservation, physicochemical variation, residue mobility, and thermodynamic stability) indicates that this missense variant is expected to disrupt SOS1 protein function with a positive predictive value of 95%. In summary, the available evidence is currently insufficient to determine the role of this variant in disease. Therefore, it has been classified as a Variant of Uncertain Significance.